The following is an entry in ClinVar:

NM_005223.4(DNASE1):c.61G>A (p.Val21Met)

Gene: DNASE1 (deoxyribonuclease 1; plus strand). Cytogenetic location: 16p13.3.
Variant type: single nucleotide variant.
Coding change: c.61G>A on transcript NM_005223.4 (MANE Select); coding-DNA position 61, G replaced by A.
Protein change: p.Val21Met; replaces valine 21 with methionine.
Molecular consequence: missense variant. On other transcripts: 5 prime UTR variant (1), non-coding transcript variant (2).
Genome position (GRCh38, 1-based): chr16:3,655,434, G>A. VCF-style: chr16-3655434-G-A. GRCh37 (hg19) VCF-style: chr16-3705435-G-A.
Other names: c.61G>A, p.Val21Met (NM_001351825.2, NM_001387135.1, NM_001387139.1 and 1 more transcripts); c.-58G>A (NM_001387141.1); short protein forms V21M.
Identifiers: ClinVar variation 3084623 (VCV003084623.2), dbSNP rs745523317, ClinGen allele CA7867026.

ClinVar aggregate classification (germline): Uncertain significance. Review status: criteria provided, multiple submitters, no conflicts (2 of 4 stars). 2 submissions from 2 submitters: Uncertain significance (2). Last evaluated 2024-04-26.

Allele frequency attached by ClinVar (database versions not stated): gnomAD 0.00001; gnomAD exomes 0.00002; ExAC 0.00003.

Submissions (2):

Women's Health and Genetics/Laboratory Corporation of America, LabCorp
Classification: Uncertain significance. Last evaluated: 2024-04-26. Review status: criteria provided, single submitter. Criteria: LabCorp Variant Classification Summary - May 2015. Collection method: clinical testing. Allele origin: germline.
Comment: Variant summary: DNASE1 c.61G>A (p.Val21Met) results in a conservative amino acid change in the encoded protein sequence. Five of five in-silico tools predict a benign effect of the variant on protein function. The variant allele was found at a frequency of 2e-05 in 251162 control chromosomes. The available data on variant occurrences in the general population are insufficient to allow any conclusion about variant significance. To our knowledge, no occurrence of c.61G>A in individuals affected with Systemic Lupus Erythematosus and no experimental evidence demonstrating its impact on protein function have been reported. No submitters have cited clinical-significance assessments for this variant to ClinVar. Based on the evidence outlined above, the variant was classified as uncertain significance.

Ambry Genetics
Classification: Uncertain significance. Last evaluated: 2024-01-09. Review status: criteria provided, single submitter. Criteria: Ambry Variant Classification Scheme 2023. Collection method: clinical testing. Allele origin: germline.